The following is an entry in ClinVar:

ClinVar aggregate classification (germline): Uncertain significance (1 of 4 stars; one submission).

Submission:

Labcorp Genetics (formerly Invitae), Labcorp
Classification: Uncertain significance. Last evaluated: 2023-01-17. Review status: criteria provided, single submitter. Criteria: Invitae Variant Classification Sherloc (09022015). Collection method: clinical testing. Allele origin: germline.
Comment: In summary, the available evidence is currently insufficient to determine the role of this variant in disease. Therefore, it has been classified as a Variant of Uncertain Significance. Algorithms developed to predict the effect of sequence changes on RNA splicing suggest that this variant may disrupt the consensus splice site. This variant has not been reported in the literature in individuals affected with CFI-related conditions. This variant is not present in population databases (gnomAD no frequency). This sequence change affects codon 128 of the CFI mRNA. It is a 'silent' change, meaning that it does not change the encoded amino acid sequence of the CFI protein.

NM_000204.5(CFI):c.384A>G (p.Glu128=)

Gene: CFI (complement factor I; minus strand). Cytogenetic location: 4q25.
Variant type: single nucleotide variant.
Coding change: c.384A>G on transcript NM_000204.5 (MANE Select); coding-DNA position 384, A replaced by G.
Protein change: p.Glu128=; no amino-acid change (glutamic acid 128 retained).
Molecular consequence: synonymous variant. On other transcripts: non-coding transcript variant (3), intron variant (1).
Genome position (GRCh38, 1-based): chr4:109,764,635, T>C on the plus strand (A>G on the coding strand, the complement: CFI is on the minus strand). VCF-style: chr4-109764635-T-C. GRCh37 (hg19) VCF-style: chr4-110685791-T-C.
Other names: c.384A>G, p.Glu128= (NM_001318057.2, NM_001331035.2, NM_001375278.1 and 5 more transcripts); c.-127-2943A>G (NM_001375284.1).
Identifiers: ClinVar variation 2813588 (VCV002813588.3), dbSNP rs2545450423, ClinGen allele CA440589337.